The following is an entry in ClinVar:

ClinVar aggregate classification (germline): Conflicting classifications of pathogenicity. Review status: criteria provided, conflicting classifications (1 of 4 stars). 2 submissions from 2 submitters: Uncertain significance (1); Likely benign (1). Last evaluated 2024-10-21.

Allele frequency attached by ClinVar (database versions not stated): TOPMed 0.00002; gnomAD 0.00003; ExAC 0.00006; ESP Exome Variant Server 0.00015.
gnomAD v4.1: 85 of 1,614,086 alleles (0.0053%); highest among the groups gnomAD compares: East Asian, 0.0089%; no homozygotes.

Submissions (2):

Labcorp Genetics (formerly Invitae), Labcorp
Classification: Uncertain significance. Last evaluated: 2024-10-21. Review status: criteria provided, single submitter. Criteria: Invitae Variant Classification Sherloc (09022015). Collection method: clinical testing. Allele origin: germline.
Comment: This sequence change replaces alanine, which is neutral and non-polar, with valine, which is neutral and non-polar, at codon 178 of the SLC26A3 protein (p.Ala178Val). This variant is present in population databases (rs143515876, gnomAD 0.01%). This variant has not been reported in the literature in individuals affected with SLC26A3-related conditions. ClinVar contains an entry for this variant (Variation ID: 2200347). Invitae Evidence Modeling of protein sequence and biophysical properties (such as structural, functional, and spatial information, amino acid conservation, physicochemical variation, residue mobility, and thermodynamic stability) indicates that this missense variant is not expected to disrupt SLC26A3 protein function with a negative predictive value of 80%. In summary, the available evidence is currently insufficient to determine the role of this variant in disease. Therefore, it has been classified as a Variant of Uncertain Significance.

Blueprint Genetics
Classification: Likely benign. Last evaluated: 2023-10-18. Review status: criteria provided, single submitter. Criteria: ACMG Guidelines, 2015. Collection method: clinical testing. Allele origin: germline.

NM_000111.3(SLC26A3):c.533C>T (p.Ala178Val)

Gene: SLC26A3 (solute carrier family 26 member 3; minus strand). Cytogenetic location: 7q22.3.
Variant type: single nucleotide variant.
Coding change: c.533C>T on transcript NM_000111.3 (MANE Select); coding-DNA position 533, C replaced by T.
Protein change: p.Ala178Val; replaces alanine 178 with valine.
Molecular consequence: missense variant.
Genome position (GRCh38, 1-based): chr7:107,791,085, G>A on the plus strand (C>T on the coding strand, the complement: SLC26A3 is on the minus strand). VCF-style: chr7-107791085-G-A. GRCh37 (hg19) VCF-style: chr7-107431530-G-A.
Other names: short protein forms A178V.
Identifiers: ClinVar variation 2200347 (VCV002200347.3), dbSNP rs143515876, ClinGen allele CA4434102.
Genomic context (GRCh38, chr7:107,791,085, plus strand): 5'-AAGTTACATGAGAAGGTGCTCACCTGGATGATTCCAGAAAGCACTGTGACTGATGCCGCC[G>A]CCGCCACCCTCACCCTCTCGTCATCCAGTAGTGAAGAATTATTCGAGTTGTTAGGCAATC-3'
Protein context (NP_000102.1, residues 168-188): LLDDERVRVA[Ala178Val]AASVTVLSGI